The following is an entry in ClinVar:

NM_002439.5(MSH3):c.2656G>C (p.Glu886Gln)

Gene: MSH3 (mutS homolog 3; plus strand). Cytogenetic location: 5q14.1.
Variant type: single nucleotide variant.
Coding change: c.2656G>C on transcript NM_002439.5 (MANE Select); coding-DNA position 2656, G replaced by C.
Protein change: p.Glu886Gln; replaces glutamic acid 886 with glutamine.
Molecular consequence: missense variant.
Genome position (GRCh38, 1-based): chr5:80,813,584, G>C. VCF-style: chr5-80813584-G-C. GRCh37 (hg19) VCF-style: chr5-80109403-G-C.
Other names: short protein forms E886Q.
Identifiers: ClinVar variation 3222273 (VCV003222273.1), dbSNP rs2112054098, ClinGen allele CA360273799.

ClinVar aggregate classification (germline): Uncertain significance (1 of 4 stars; one submission).

Conditions:
Hereditary cancer-predisposing syndrome. Also called: Tumor predisposition; Hereditary neoplastic syndrome; Hereditary Cancer Syndrome; Neoplastic Syndromes, Hereditary. Identifiers: Orphanet 140162, MedGen C0027672, MeSH D009386, MONDO:0015356.

Submission:

Ambry Genetics
Classification: Uncertain significance for Hereditary cancer-predisposing syndrome. Last evaluated: 2023-12-28. Review status: criteria provided, single submitter. Criteria: Ambry Variant Classification Scheme 2023. Collection method: clinical testing. Allele origin: germline.
Comment: The p.E886Q variant (also known as c.2656G>C), located in coding exon 20 of the MSH3 gene, results from a G to C substitution at nucleotide position 2656. This variant impacts the first base pair of coding exon 20. The glutamic acid at codon 886 is replaced by glutamine, an amino acid with highly similar properties. This amino acid position is poorly conserved in available vertebrate species. In addition, this alteration is predicted to be tolerated by in silico analysis. Since supporting evidence is limited at this time, the clinical significance of this alteration remains unclear.